The following is an entry in ClinVar:

NM_003482.4(KMT2D):c.3241C>A (p.Pro1081Thr)

Gene: KMT2D (lysine methyltransferase 2D; minus strand). Cytogenetic location: 12q13.12.
Variant type: single nucleotide variant.
Coding change: c.3241C>A on transcript NM_003482.4 (MANE Select); coding-DNA position 3241, C replaced by A.
Protein change: p.Pro1081Thr; replaces proline 1081 with threonine.
Molecular consequence: missense variant.
Genome position (GRCh38, 1-based): chr12:49,050,347, G>T on the plus strand (C>A on the coding strand, the complement: KMT2D is on the minus strand). VCF-style: chr12-49050347-G-T. GRCh37 (hg19) VCF-style: chr12-49444130-G-T.
Other names: short protein forms P1081T.
Identifiers: ClinVar variation 2037290 (VCV002037290.6), dbSNP rs776189229, ClinGen allele CA6548091.
Genomic context (GRCh38, chr12:49,050,347, plus strand): 5'-GGTCCCCCATTGGGGAAGGGAGAGGACTGGTGGCACTGGGTTCCAAGGCTGGGCATTCAG[G>T]TTCTGAAACTTTCTCAGTCTCCATCTCGTGCAGCTCAGCCTCATCTGAGACCCCCACTAC-3'
Protein context (NP_003473.3, residues 1071-1091): HEMETEKVSE[Pro1081Thr]ECPALEPSAT

ClinVar aggregate classification (germline): Conflicting classifications of pathogenicity. Review status: criteria provided, conflicting classifications (1 of 4 stars). 3 submissions from 3 submitters: Uncertain significance (1); Benign (1); Likely benign (1). Last evaluated 2025-04-28.

Conditions:
KMT2D-related disorder. Also called: KMT2D-Related Disorders.
Kabuki syndrome. Also called: NIIKAWA-KUROKI SYNDROME; Kabuki make-up syndrome. Identifiers: Orphanet 2322, MedGen C0796004, MONDO:0016512.
Inborn genetic diseases. Identifiers: MedGen C0950123, MeSH D030342.

Allele frequency attached by ClinVar (database versions not stated): ExAC 0.00001; gnomAD 0.00001; TOPMed 0.00004.
gnomAD v4.1: 7 of 1,611,514 alleles (0.00043%); highest among the groups gnomAD compares: Admixed American, 0.012%; no homozygotes.

Submissions (3):

Labcorp Genetics (formerly Invitae), Labcorp
Classification: Benign for Kabuki syndrome. Last evaluated: 2025-04-28. Review status: criteria provided, single submitter. Criteria: Invitae Variant Classification Sherloc (09022015). Collection method: clinical testing. Allele origin: germline.

PreventionGenetics, part of Exact Sciences
Classification: Uncertain significance for KMT2D-related condition. Last evaluated: 2023-08-03. Review status: criteria provided, single submitter. Criteria: ACMG Guidelines, 2015. Collection method: clinical testing. Allele origin: germline.
Comment: The KMT2D c.3241C>A variant is predicted to result in the amino acid substitution p.Pro1081Thr. To our knowledge, this variant has not been reported in the literature. This variant is reported in 0.015% of alleles in individuals of Latino descent in gnomAD. Although we suspect that this variant may be benign, at this time, the clinical significance of this variant is uncertain due to the absence of conclusive functional and genetic evidence.

Ambry Genetics
Classification: Likely benign for Inborn genetic diseases. Last evaluated: 2021-08-17. Review status: criteria provided, single submitter. Criteria: Ambry Variant Classification Scheme 2023. Collection method: clinical testing. Allele origin: germline.